The following is an entry in ClinVar:

NM_177965.4(CFAP418):c.26T>C (p.Leu9Ser)

Genes: CFAP418 (cilia and flagella associated protein 418; minus strand), CFAP418-AS1 (CFAP418 antisense RNA 1; plus strand), LOC130000784 (ATAC-STARR-seq lymphoblastoid active region 27655; plus strand). Cytogenetic location: 8q22.1.
Variant type: single nucleotide variant.
Coding change: c.26T>C on transcript NM_177965.4 (MANE Select); coding-DNA position 26, T replaced by C.
Protein change: p.Leu9Ser; replaces leucine 9 with serine.
Molecular consequence: missense variant.
Genome position (GRCh38, 1-based): chr8:95,269,164, A>G on the plus strand (T>C on the coding strand, the complement: CFAP418 is on the minus strand). VCF-style: chr8-95269164-A-G. GRCh37 (hg19) VCF-style: chr8-96281392-A-G.
Other names: c.26T>C (NM_177965.3); c.26T>C, p.Leu9Ser (NM_001363260.1); short protein forms L9S.
Identifiers: ClinVar variation 1047305 (VCV001047305.10), dbSNP rs1304422431, ClinGen allele CA371837991.

ClinVar aggregate classification (germline): Uncertain significance. Review status: criteria provided, multiple submitters, no conflicts (2 of 4 stars). 2 submissions from 2 submitters: Uncertain significance (2). Last evaluated 2026-09-25.

Conditions:
CFAP418-related disorder. Also called: CFAP418-related condition.

Allele frequency attached by ClinVar (database versions not stated): gnomAD exomes below 0.00001.

Submissions (2):

PreventionGenetics, part of Exact Sciences
Classification: Uncertain significance for CFAP418-related condition. Last evaluated: 2026-09-25. Review status: criteria provided, single submitter. Criteria: ACMG Guidelines, 2015. Collection method: clinical testing. Allele origin: germline.
Comment: The CFAP418 c.26T>C variant is predicted to result in the amino acid substitution p.Leu9Ser. To our knowledge, this variant has not been reported in the literature. This variant is reported in 0.0029% of alleles in individuals of Latino descent in gnomAD. At this time, the clinical significance of this variant is uncertain due to the absence of conclusive functional and genetic evidence.

Labcorp Genetics (formerly Invitae), Labcorp
Classification: Uncertain significance. Last evaluated: 2022-08-19. Review status: criteria provided, single submitter. Criteria: Invitae Variant Classification Sherloc (09022015). Collection method: clinical testing. Allele origin: germline.
Comment: In summary, the available evidence is currently insufficient to determine the role of this variant in disease. Therefore, it has been classified as a Variant of Uncertain Significance. Algorithms developed to predict the effect of missense changes on protein structure and function are either unavailable or do not agree on the potential impact of this missense change (SIFT: "Deleterious"; PolyPhen-2: "Probably Damaging"; Align-GVGD: "Class C0"). ClinVar contains an entry for this variant (Variation ID: 1047305). This variant has not been reported in the literature in individuals affected with C8orf37-related conditions. This variant is present in population databases (no rsID available, gnomAD 0.003%). This sequence change replaces leucine, which is neutral and non-polar, with serine, which is neutral and polar, at codon 9 of the C8orf37 protein (p.Leu9Ser).